The following is an entry in ClinVar:

NM_001080467.3(MYO5B):c.3803del (p.Ile1268fs)

Gene: MYO5B (myosin VB; minus strand). Cytogenetic location: 18q21.1.
Variant type: Deletion.
Coding change: c.3803del on transcript NM_001080467.3 (MANE Select); coding-DNA position 3803, one base deleted (T; older notation c.3803delT).
Protein change: p.Ile1268fs; shifts the reading frame from isoleucine 1268.
Molecular consequence: frameshift variant.
Genome position (GRCh38, 1-based): chr18:49,864,181, A deleted on the plus strand (T on the coding strand, the reverse complement: MYO5B is on the minus strand). VCF-style (leftmost placement, unchanged base first): chr18-49864180-GA-G. GRCh37 (hg19) VCF-style: chr18-47390550-GA-G.
Other names: short protein forms I1268fs.
Identifiers: ClinVar variation 3648708 (VCV003648708.2).

ClinVar aggregate classification (germline): Pathogenic (1 of 4 stars; one submission).

Submission:

Labcorp Genetics (formerly Invitae), Labcorp
Classification: Pathogenic. Last evaluated: 2024-05-02. Review status: criteria provided, single submitter. Criteria: Invitae Variant Classification Sherloc (09022015). Collection method: clinical testing. Allele origin: germline.
Comment: This sequence change creates a premature translational stop signal (p.Ile1268Thrfs*2) in the MYO5B gene. It is expected to result in an absent or disrupted protein product. Loss-of-function variants in MYO5B are known to be pathogenic (PMID: 18724368, 20186687). This variant is not present in population databases (gnomAD no frequency). This variant has not been reported in the literature in individuals affected with MYO5B-related conditions. For these reasons, this variant has been classified as Pathogenic.

Literature cited by the submitters: PubMed 18724368; PubMed 20186687.